The following is an entry in ClinVar:

ClinVar aggregate classification (germline): Conflicting classifications of pathogenicity. Review status: criteria provided, conflicting classifications (1 of 4 stars). 4 submissions from 4 submitters: Uncertain significance (3); Likely benign (1). Last evaluated 2026-08-13.

Conditions:
AXIN2-related disorder.
Hereditary cancer-predisposing syndrome. Also called: Neoplastic Syndromes, Hereditary; Hereditary Cancer Syndrome; Tumor predisposition; Hereditary neoplastic syndrome. Identifiers: Orphanet 140162, MedGen C0027672, MeSH D009386, MONDO:0015356.
Oligodontia-cancer predisposition syndrome. Also called: TOOTH AGENESIS-COLORECTAL CANCER SYNDROME. Identifiers: Orphanet 300576, MedGen C1837750, MONDO:0012075, OMIM 608615. Disease mechanism: loss of function.

Allele frequency attached by ClinVar (database versions not stated): gnomAD exomes below 0.00001.
gnomAD v4.1: 1 of 1,614,198 alleles (0.000062%); highest among the groups gnomAD compares: South Asian, 0.0011%; no homozygotes.

Submissions (4):

PreventionGenetics, part of Exact Sciences
Classification: Uncertain significance for AXIN2-related condition. Last evaluated: 2026-08-13. Review status: criteria provided, single submitter. Criteria: ACMG Guidelines, 2015. Collection method: clinical testing. Allele origin: germline.
Comment: The AXIN2 c.658G>A variant is predicted to result in the amino acid substitution p.Val220Ile. To our knowledge, this variant has not been reported in the literature. It is reported in 0.0033% of alleles in individuals of South Asian descent in gnomAD and has conflicting interpretations in ClinVar ranging from likely benign to uncertain (Variation ID: 826497). At this time, the clinical significance of this variant is uncertain due to the absence of conclusive functional and genetic evidence.

Ambry Genetics
Classification: Likely benign for Hereditary cancer-predisposing syndrome. Last evaluated: 2025-09-11. Review status: criteria provided, single submitter. Criteria: Ambry Variant Classification Scheme 2023. Collection method: clinical testing. Allele origin: germline.

Labcorp Genetics (formerly Invitae), Labcorp
Classification: Uncertain significance for Oligodontia-cancer predisposition syndrome. Last evaluated: 2025-05-05. Review status: criteria provided, single submitter. Criteria: Invitae Variant Classification Sherloc (09022015). Collection method: clinical testing. Allele origin: germline.
Comment: This sequence change replaces valine, which is neutral and non-polar, with isoleucine, which is neutral and non-polar, at codon 220 of the AXIN2 protein (p.Val220Ile). This variant is present in population databases (no rsID available, gnomAD 0.003%). This variant has not been reported in the literature in individuals affected with AXIN2-related conditions. ClinVar contains an entry for this variant (Variation ID: 826497). Invitae Evidence Modeling of protein sequence and biophysical properties (such as structural, functional, and spatial information, amino acid conservation, physicochemical variation, residue mobility, and thermodynamic stability) indicates that this missense variant is not expected to disrupt AXIN2 protein function with a negative predictive value of 80%. In summary, the available evidence is currently insufficient to determine the role of this variant in disease. Therefore, it has been classified as a Variant of Uncertain Significance.

GeneDx
Classification: Uncertain significance. Last evaluated: 2023-05-12. Review status: criteria provided, single submitter. Criteria: GeneDx Variant Classification Process June 2021. Collection method: clinical testing. Allele origin: germline.
Comment: Not observed at significant frequency in large population cohorts (gnomAD); In silico analysis supports that this missense variant does not alter protein structure/function; Has not been previously published as pathogenic or benign to our knowledge

NM_004655.4(AXIN2):c.658G>A (p.Val220Ile)

Gene: AXIN2 (axin 2; minus strand). Cytogenetic location: 17q24.1.
Variant type: single nucleotide variant.
Coding change: c.658G>A on transcript NM_004655.4 (MANE Select); coding-DNA position 658, G replaced by A.
Protein change: p.Val220Ile; replaces valine 220 with isoleucine.
Molecular consequence: missense variant.
Genome position (GRCh38, 1-based): chr17:65,557,963, C>T on the plus strand (G>A on the coding strand, the complement: AXIN2 is on the minus strand). VCF-style: chr17-65557963-C-T. GRCh37 (hg19) VCF-style: chr17-63554081-C-T.
Other names: c.658G>A, p.Val220Ile (NM_001363813.1); short protein forms V220I.
Identifiers: ClinVar variation 826497 (VCV000826497.18), dbSNP rs1310922131, ClinGen allele CA400680554.